The following is an entry in ClinVar:

ClinVar aggregate classification (germline): Uncertain significance. Review status: criteria provided, multiple submitters, no conflicts (2 of 4 stars). 2 submissions from 2 submitters: Uncertain significance (2). Last evaluated 2025-02-19.

Conditions:
Cardiovascular phenotype. Identifiers: MedGen CN230736.
Anterior segment dysgenesis. Also called: Ocular anterior segment dysgenesis. Identifiers: Orphanet 88632, MedGen C1862839, MONDO:0019503, HP:0007700.
Congenital primary aphakia. Also called: Anterior segment dysgenesis 2, multiple subtypes; ANTERIOR SEGMENT DYSGENESIS 2. Identifiers: Orphanet 83461, MedGen C1853230, MONDO:0012456, OMIM 610256.

Allele frequency attached by ClinVar (database versions not stated): gnomAD exomes 0.00001; TOPMed 0.00001; gnomAD 0.00004.

Submissions (2):

Ambry Genetics
Classification: Uncertain significance for Cardiovascular phenotype. Last evaluated: 2025-02-19. Review status: criteria provided, single submitter. Criteria: Ambry Variant Classification Scheme 2023. Collection method: clinical testing. Allele origin: germline.

Labcorp Genetics (formerly Invitae), Labcorp
Classification: Uncertain significance for Anterior segment dysgenesis; Congenital primary aphakia. Last evaluated: 2024-09-02. Review status: criteria provided, single submitter. Criteria: Invitae Variant Classification Sherloc (09022015). Collection method: clinical testing. Allele origin: germline.
Comment: This sequence change replaces lysine, which is basic and polar, with glutamine, which is neutral and polar, at codon 168 of the FOXE3 protein (p.Lys168Gln). This variant is present in population databases (no rsID available, gnomAD 0.006%). This variant has not been reported in the literature in individuals affected with FOXE3-related conditions. ClinVar contains an entry for this variant (Variation ID: 2167511). Invitae Evidence Modeling of protein sequence and biophysical properties (such as structural, functional, and spatial information, amino acid conservation, physicochemical variation, residue mobility, and thermodynamic stability) has been performed for this missense variant. However, the output from this modeling did not meet the statistical confidence thresholds required to predict the impact of this variant on FOXE3 protein function. In summary, the available evidence is currently insufficient to determine the role of this variant in disease. Therefore, it has been classified as a Variant of Uncertain Significance.

NM_012186.3(FOXE3):c.502A>C (p.Lys168Gln)

Genes: FOXE3 (forkhead box E3; plus strand), LINC01389 (long independently transcribed non-coding RNA 1389; minus strand). Cytogenetic location: 1p33.
Variant type: single nucleotide variant.
Coding change: c.502A>C on transcript NM_012186.3 (MANE Select); coding-DNA position 502, A replaced by C.
Protein change: p.Lys168Gln; replaces lysine 168 with glutamine.
Molecular consequence: missense variant.
Genome position (GRCh38, 1-based): chr1:47,416,817, A>C. VCF-style: chr1-47416817-A-C. GRCh37 (hg19) VCF-style: chr1-47882489-A-C.
Other names: c.502A>C (NM_012186.2); short protein forms K168Q.
Identifiers: ClinVar variation 2167511 (VCV002167511.6), dbSNP rs1246516086, ClinGen allele CA340250127.